The following is an entry in ClinVar:

NM_182961.4(SYNE1):c.11560G>C (p.Ala3854Pro)

Gene: SYNE1 (spectrin repeat containing nuclear envelope protein 1; minus strand). Cytogenetic location: 6q25.2.
Variant type: single nucleotide variant.
Coding change: c.11560G>C on transcript NM_182961.4 (MANE Select); coding-DNA position 11560, G replaced by C.
Protein change: p.Ala3854Pro; replaces alanine 3854 with proline.
Molecular consequence: missense variant.
Genome position (GRCh38, 1-based): chr6:152,352,047, C>G on the plus strand (G>C on the coding strand, the complement: SYNE1 is on the minus strand). VCF-style: chr6-152352047-C-G. GRCh37 (hg19) VCF-style: chr6-152673182-C-G.
Other names: c.11515G>C, p.Ala3839Pro (NM_033071.5); short protein forms A3839P, A3854P.
Identifiers: ClinVar variation 1515667 (VCV001515667.6), dbSNP rs776601282, ClinGen allele CA4056666.

ClinVar aggregate classification (germline): Uncertain significance (1 of 4 stars; one submission).

Conditions:
Emery-Dreifuss muscular dystrophy 4, autosomal dominant (EDMD4). Also called: EMERY-DREIFUSS MUSCULAR DYSTROPHY 4 WITH VARIABLE FEATURES. Identifiers: Orphanet 261, MedGen C2751807, MONDO:0013071, OMIM 612998.
Autosomal recessive ataxia, Beauce type. Also called: Spinocerebellar ataxia, autosomal recessive 8; ATAXIA, RECESSIVE, OF BEAUCE; SYNE1 Deficiency; SYNE1-Related Autosomal Recessive Cerebellar Ataxia. Identifiers: Orphanet 88644, MedGen C1853116, MONDO:0012549, OMIM 610743.

gnomAD v4.1: 1 of 1,614,140 alleles (0.000062%); highest among the groups gnomAD compares: Admixed American, 0.0017%; no homozygotes.

Submission:

Labcorp Genetics (formerly Invitae), Labcorp
Classification: Uncertain significance for Emery-Dreifuss muscular dystrophy 4, autosomal dominant; Autosomal recessive ataxia, Beauce type. Last evaluated: 2021-11-08. Review status: criteria provided, single submitter. Criteria: Invitae Variant Classification Sherloc (09022015). Collection method: clinical testing. Allele origin: germline.
Comment: In summary, the available evidence is currently insufficient to determine the role of this variant in disease. Therefore, it has been classified as a Variant of Uncertain Significance. This sequence change replaces alanine, which is neutral and non-polar, with proline, which is neutral and non-polar, at codon 3839 of the SYNE1 protein (p.Ala3839Pro). This variant is present in population databases (rs776601282, gnomAD 0.003%). This variant has not been reported in the literature in individuals affected with SYNE1-related conditions. Algorithms developed to predict the effect of missense changes on protein structure and function (SIFT, PolyPhen-2, Align-GVGD) all suggest that this variant is likely to be disruptive.